The following is an entry in ClinVar:

ClinVar aggregate classification (germline): Likely benign (0 of 4 stars; one submission).

Conditions:
APOL1-related disorder. Also called: APOL1-related condition.

Allele frequency attached by ClinVar (database versions not stated): ExAC 0.00003.

Submission:

PreventionGenetics, part of Exact Sciences
Classification: Likely benign for APOL1-related condition. Last evaluated: 2020-01-21. Review status: no assertion criteria provided. Collection method: clinical testing. Allele origin: germline.
Comment: This variant is classified as likely benign based on ACMG/AMP sequence variant interpretation guidelines (Richards et al. 2015 PMID: 25741868, with internal and published modifications).

NM_003661.4(APOL1):c.-19-5T>C

Gene: APOL1 (apolipoprotein L1; plus strand). Cytogenetic location: 22q12.3.
Variant type: single nucleotide variant.
Coding change: c.-19-5T>C on transcript NM_003661.4 (MANE Select); 5 bases into the intron before 19 bases upstream of the start codon, T replaced by C.
Molecular consequence: intron variant. On other transcripts: 5 prime UTR variant (2).
Genome position (GRCh38, 1-based): chr22:36,254,932, T>C. VCF-style: chr22-36254932-T-C. GRCh37 (hg19) VCF-style: chr22-36650978-T-C.
Other names: c.-24T>C (NM_001136540.2, NM_001362927.2); c.30-5T>C (NM_145343.3); c.-19-5T>C (NM_001136541.2).
Identifiers: ClinVar variation 3034584 (VCV003034584.2), dbSNP rs762562953, ClinGen allele CA10208444.